The following is an entry in ClinVar:

NM_001384140.1(PCDH15):c.1339G>A (p.Asp447Asn)

Gene: PCDH15 (protocadherin related 15; minus strand). Cytogenetic location: 10q21.1.
Variant type: single nucleotide variant.
Coding change: c.1339G>A on transcript NM_001384140.1 (MANE Select); coding-DNA position 1339, G replaced by A.
Protein change: p.Asp447Asn; replaces aspartic acid 447 with asparagine.
Molecular consequence: missense variant.
Genome position (GRCh38, 1-based): chr10:54,185,235, C>T on the plus strand (G>A on the coding strand, the complement: PCDH15 is on the minus strand). VCF-style: chr10-54185235-C-T. GRCh37 (hg19) VCF-style: chr10-55944995-C-T.
Other names: c.1339G>A, p.Asp447Asn (NM_001142766.2, NM_001142770.3, NM_001142772.2 and 6 more transcripts); c.1228G>A, p.Asp410Asn (NM_001142767.2); c.1273G>A, p.Asp425Asn (NM_001142768.2, NM_001142773.2, NM_001354404.2); c.1375G>A, p.Asp459Asn (NM_001142769.4); c.1354G>A, p.Asp452Asn (NM_001142771.2, NM_001142763.2); c.1360G>A, p.Asp454Asn (NM_001354411.2); short protein forms D447N, D452N, D459N, D410N, D425N, D454N.
Identifiers: ClinVar variation 46441 (VCV000046441.49), dbSNP rs150509146, ClinGen allele CA138372.

ClinVar aggregate classification (germline): Conflicting classifications of pathogenicity. Review status: criteria provided, conflicting classifications (1 of 4 stars). 11 submissions from 11 submitters: Uncertain significance (9); Likely benign (1). 1 of the submissions does not count toward it. Last evaluated 2026-06-20.

Conditions:
PCDH15-related disorder. Also called: PCDH15-related condition; PCDH15-related disorders.
Autosomal recessive nonsyndromic hearing loss 23. Identifiers: Orphanet 90636, MedGen C1836027, MONDO:0012293, OMIM 609533.
Usher syndrome type 1D (USH1D). Also called: USHER SYNDROME, TYPE ID. Identifiers: Orphanet 231169, Orphanet 886, MedGen C1832845, MONDO:0010984, OMIM 601067.
Usher syndrome type 1F (USH1F). Also called: USHER SYNDROME, TYPE IF. Identifiers: Orphanet 231169, Orphanet 886, MedGen C1865885, MONDO:0011186, OMIM 602083.
Usher syndrome type 1 (USH1). Also called: RETINITIS PIGMENTOSA AND CONGENITAL DEAFNESS. Identifiers: Orphanet 231169, Orphanet 886, MedGen C1568247, MONDO:0010168, OMIM 276900.

Allele frequency attached by ClinVar (database versions not stated): ExAC 0.00020; gnomAD exomes 0.00020 and 0.00051; gnomAD 0.00035 and 0.00036; TOPMed 0.00035; ESP Exome Variant Server 0.00038.
gnomAD v4.1: 782 of 1,613,308 alleles (0.048%); highest among the groups gnomAD compares: Non-Finnish European, 0.064%; 1 homozygote.

Submissions (11):

PreventionGenetics, part of Exact Sciences
Classification: Uncertain significance for PCDH15-related condition. Last evaluated: 2026-06-20. Review status: criteria provided, single submitter. Criteria: ACMG Guidelines, 2015. Collection method: clinical testing. Allele origin: germline.
Comment: The PCDH15 c.1339G>A variant is predicted to result in the amino acid substitution p.Asp447Asn. To our knowledge, this variant has not been reported in the literature. This variant is reported in 0.045% of alleles in individuals of European (Non-Finnish) descent in gnomAD. At this time, the clinical significance of this variant is uncertain due to the absence of conclusive functional and genetic evidence.

GeneDx
Classification: Uncertain significance. Last evaluated: 2026-01-20. Review status: criteria provided, single submitter. Criteria: GeneDx Variant Classification Process June 2021. Collection method: clinical testing. Allele origin: germline. Affected: yes.
Comment: In silico analysis supports that this missense variant has a deleterious effect on protein structure/function; Has not been previously published as pathogenic or benign to our knowledge; This variant is associated with the following publications: (PMID: 15537665)

CeGaT Center for Human Genetics Tuebingen
Classification: Uncertain significance. Last evaluated: 2025-11-01. Review status: criteria provided, single submitter. Criteria: CeGaT Center For Human Genetics Tuebingen Variant Classification Criteria Version 2. Collection method: clinical testing. Allele origin: germline. Affected: yes. Observed: 2 variant alleles.
Comment: PCDH15: PM2

Blueprint Genetics
Classification: Likely benign. Last evaluated: 2024-09-25. Review status: criteria provided, single submitter. Criteria: ACMG Guidelines, 2015. Collection method: clinical testing. Allele origin: germline.

Mayo Clinic Laboratories, Mayo Clinic
Classification: Uncertain significance. Last evaluated: 2022-08-30. Review status: criteria provided, single submitter. Criteria: ACMG Guidelines, 2015. Collection method: clinical testing. Allele origin: germline. Observed: 1 variant allele.
Comment: BP4, PM2_supporting

Labcorp Genetics (formerly Invitae), Labcorp
Classification: Uncertain significance. Last evaluated: 2022-08-16. Review status: criteria provided, single submitter. Criteria: Invitae Variant Classification Sherloc (09022015). Collection method: clinical testing. Allele origin: germline.
Comment: This sequence change replaces aspartic acid, which is acidic and polar, with asparagine, which is neutral and polar, at codon 447 of the PCDH15 protein (p.Asp447Asn). This variant is present in population databases (rs150509146, gnomAD 0.04%). This variant has not been reported in the literature in individuals affected with PCDH15-related conditions. ClinVar contains an entry for this variant (Variation ID: 46441). Algorithms developed to predict the effect of missense changes on protein structure and function (SIFT, PolyPhen-2, Align-GVGD) all suggest that this variant is likely to be tolerated. In summary, the available evidence is currently insufficient to determine the role of this variant in disease. Therefore, it has been classified as a Variant of Uncertain Significance.

Fulgent Genetics
Classification: Uncertain significance for Usher syndrome type 1D; Usher syndrome type 1F; Autosomal recessive nonsyndromic hearing loss 23. Last evaluated: 2022-02-11. Review status: criteria provided, single submitter. Criteria: ACMG Guidelines, 2015. Collection method: clinical testing. Allele origin: unknown.

ARUP Laboratories, Molecular Genetics and Genomics, ARUP Laboratories
Classification: Uncertain significance. Last evaluated: 2017-06-01. Review status: criteria provided, single submitter. Criteria: ARUP Molecular Germline Variant Investigation Process. Collection method: clinical testing. Allele origin: germline.
Comment: The p.Asp447Asn variant (rs150509146) has not been reported in the medical literature, nor has it been previously identified in our laboratory; however, it is listed in the ClinVar database as a variant of uncertain significance (Variation ID: 46441). It is listed in the Genome Aggregation Database (gnomAD) browser with a frequency in non-Finnish Europeans of 0.044% (identified in 56 out of 126,490 chromosomes). The aspartic acid at codon 447 is weakly conserved considering 12 species (Alamut software v2.9), and several species of fish have an asparagine at this position suggesting this change is evolutionary tolerated. Likewise, computational analyses suggest this variant does not have a significant effect on PCDH15 protein structure/function (SIFT: tolerated, PolyPhen2: benign). However, based on the available information, the clinical significance of the p.Asp447Asn variant cannot be determined with certainty.

Illumina Laboratory Services, Illumina
Classification: Uncertain significance for Usher syndrome type 1. Last evaluated: 2017-04-28. Review status: criteria provided, single submitter. Criteria: ICSL Variant Classification Criteria 13 December 2019. Collection method: clinical testing. Allele origin: germline.

Laboratory for Molecular Medicine, Mass General Brigham Personalized Medicine
Classification: Uncertain significance. Last evaluated: 2014-09-11. Review status: criteria provided, single submitter. Criteria: LMM Criteria. Collection method: clinical testing. Allele origin: germline. Observed: 2 variant alleles.
Comment: This variant has been identified in 0.06% (5/8600) of European American chromosomes by the NHLBI Exome Sequencin g Project and in 0.7% (1/1324) chromosomes by the ClinSeq project (.; dbSNP rs150509146). Computational prediction tools do not provide strong support for or against an impact to the protein. In summary, the clinical significance of the Asp447Asn variant is uncertain.

Natera, Inc.
Classification: Uncertain significance for Usher syndrome type 1F. Last evaluated: 2020-01-17. Review status: no assertion criteria provided. Collection method: clinical testing. Allele origin: germline. Not counted in ClinVar's aggregate classification.